The following is an entry in ClinVar:

ClinVar aggregate classification (germline): Pathogenic (1 of 4 stars; one submission).

Submission:

Labcorp Genetics (formerly Invitae), Labcorp
Classification: Pathogenic. Last evaluated: 2025-10-26. Review status: criteria provided, single submitter. Criteria: Invitae Variant Classification Sherloc (09022015). Collection method: clinical testing. Allele origin: germline.
Comment: This sequence change creates a premature translational stop signal (p.Leu430*) in the CTNNA1 gene. It is expected to result in an absent or disrupted protein product. Loss-of-function variants in CTNNA1 are known to be pathogenic (PMID: 32051609, 34425242). This variant is not present in population databases (gnomAD no frequency). This variant has not been reported in the literature in individuals affected with CTNNA1-related conditions. For these reasons, this variant has been classified as Pathogenic.

Literature cited by the submitters: PubMed 32051609; PubMed 34425242.

NM_001903.5(CTNNA1):c.1289del (p.Lys429_Leu430insTer)

Gene: CTNNA1 (catenin alpha 1; plus strand). Cytogenetic location: 5q31.2.
Variant type: Deletion.
Coding change: c.1289del on transcript NM_001903.5 (MANE Select); coding-DNA position 1289, one base deleted (T; older notation c.1289delT).
Protein change: p.Lys429_Leu430insTer.
Molecular consequence: nonsense. On other transcripts: 5 prime UTR variant (5), intron variant (2).
Genome position (GRCh38, 1-based): chr5:138,887,635, T deleted; the last of 2 consecutive T bases (chr5:138,887,634-138,887,635); deleting either gives the same sequence. VCF-style (leftmost placement, unchanged base first): chr5-138887633-AT-A. GRCh37 (hg19) VCF-style: chr5-138223322-AT-A.
Other names: c.1289del, p.Lys429_Leu430insTer (NM_001290307.3, NM_001323982.2, NM_001323983.1 and 3 more transcripts); c.980del, p.Lys326_Leu327insTer (NM_001290309.3); c.920del, p.Lys306_Leu307insTer (NM_001290310.3); c.179del, p.Lys59_Leu60insTer (NM_001290312.1, NM_001323987.1, NM_001323988.1 and 18 more transcripts); c.-219del (NM_001324006.1, NM_001324007.1, NM_001324008.1 and 1 more transcripts); c.-94del (NM_001324013.1); c.-58+12038del (NM_001324012.1); c.-61+12038del (NM_001324010.1).
Identifiers: ClinVar variation 4725642 (VCV004725642.1).
Genomic context (GRCh38, chr5:138,887,633, plus strand): 5'-GAATGGAAATGAGAAAGAAGTTAAGGAGTATGCCCAAGTTTTCCGTGAACATGCCAACAA[AT>A]TGATTGAGGTAAGTGAATTAGCAGTTTCATTGACTTGTAGGCAACTTGGTGAAGTGTGGT-3'